The following is an entry in ClinVar:

NM_003119.4(SPG7):c.1796G>T (p.Arg599Leu)

Gene: SPG7 (SPG7 matrix AAA peptidase subunit, paraplegin; plus strand). Cytogenetic location: 16q24.3.
Variant type: single nucleotide variant.
Coding change: c.1796G>T on transcript NM_003119.4 (MANE Select); coding-DNA position 1796, G replaced by T.
Protein change: p.Arg599Leu; replaces arginine 599 with leucine.
Molecular consequence: missense variant.
Genome position (GRCh38, 1-based): chr16:89,552,995, G>T. VCF-style: chr16-89552995-G-T. GRCh37 (hg19) VCF-style: chr16-89619403-G-T.
Other names: c.1796G>T, p.Arg599Leu (NM_001363850.1); short protein forms R599L.
Identifiers: ClinVar variation 1488868 (VCV001488868.7), dbSNP rs149749852, ClinGen allele CA8244420.

ClinVar aggregate classification (germline): Uncertain significance. Review status: criteria provided, multiple submitters, no conflicts (2 of 4 stars). 2 submissions from 2 submitters: Uncertain significance (2). Last evaluated 2024-09-10.

Conditions:
Hereditary spastic paraplegia 7 (SPG7). Also called: SPASTIC PARAPLEGIA 7, AUTOSOMAL RECESSIVE, WITH OR WITHOUT CEREBELLAR ATAXIA; Spastic paraplegia 7; Hereditary spastic paraplegia Paraplegin type; Autosomal recessive spastic paraplegia type 7; SPG7-related neurologic disorder. Identifiers: Orphanet 99013, MedGen C1846564, MONDO:0011803, OMIM 607259.

gnomAD v4.1: 41 of 1,613,714 alleles (0.0025%); highest among the groups gnomAD compares: Middle Eastern, 0.05%; no homozygotes.

Submissions (2):

Labcorp Genetics (formerly Invitae), Labcorp
Classification: Uncertain significance for Hereditary spastic paraplegia 7. Last evaluated: 2024-09-10. Review status: criteria provided, single submitter. Criteria: Invitae Variant Classification Sherloc (09022015). Collection method: clinical testing. Allele origin: germline.
Comment: This sequence change replaces arginine, which is basic and polar, with leucine, which is neutral and non-polar, at codon 599 of the SPG7 protein (p.Arg599Leu). This variant is present in population databases (rs149749852, gnomAD 0.009%). This missense change has been observed in individual(s) with clinical features of SPG7-related conditions (PMID: 23269439). ClinVar contains an entry for this variant (Variation ID: 1488868). Invitae Evidence Modeling of protein sequence and biophysical properties (such as structural, functional, and spatial information, amino acid conservation, physicochemical variation, residue mobility, and thermodynamic stability) indicates that this missense variant is expected to disrupt SPG7 protein function with a positive predictive value of 80%. Algorithms developed to predict the effect of sequence changes on RNA splicing suggest that this variant may create or strengthen a splice site. In summary, the available evidence is currently insufficient to determine the role of this variant in disease. Therefore, it has been classified as a Variant of Uncertain Significance.

Blueprint Genetics
Classification: Uncertain significance. Last evaluated: 2024-06-07. Review status: criteria provided, single submitter. Criteria: ACMG Guidelines, 2015. Collection method: clinical testing. Allele origin: germline.

Literature cited by the submitters: PubMed 23269439 (cited by Labcorp Genetics (formerly Invitae), Labcorp).